The following is an entry in ClinVar:

NM_004260.4(RECQL4):c.874G>A (p.Val292Ile)

Gene: RECQL4 (RecQ like helicase 4; minus strand). Cytogenetic location: 8q24.3.
Variant type: single nucleotide variant.
Coding change: c.874G>A on transcript NM_004260.4 (MANE Select); coding-DNA position 874, G replaced by A.
Protein change: p.Val292Ile; replaces valine 292 with isoleucine.
Molecular consequence: missense variant.
Genome position (GRCh38, 1-based): chr8:144,516,245, C>T on the plus strand (G>A on the coding strand, the complement: RECQL4 is on the minus strand). VCF-style: chr8-144516245-C-T. GRCh37 (hg19) VCF-style: chr8-145741629-C-T.
Other names: c.874G>A (NM_004260.3); short protein forms V292I.
Identifiers: ClinVar variation 1487990 (VCV001487990.7), dbSNP rs1814952259, ClinGen allele CA372688853.

ClinVar aggregate classification (germline): Uncertain significance. Review status: criteria provided, multiple submitters, no conflicts (2 of 4 stars). 2 submissions from 2 submitters: Uncertain significance (2). Last evaluated 2025-10-26.

Conditions:
Baller-Gerold syndrome (BGS). Also called: CRANIOSYNOSTOSIS WITH RADIAL DEFECTS. Identifiers: Orphanet 1225, MedGen C0265308, MONDO:0009039, OMIM 218600.
Inborn genetic diseases. Identifiers: MedGen C0950123, MeSH D030342.

Allele frequency attached by ClinVar (database versions not stated): gnomAD exomes below 0.00001; TOPMed 0.00001.

Submissions (2):

Labcorp Genetics (formerly Invitae), Labcorp
Classification: Uncertain significance for Baller-Gerold syndrome. Last evaluated: 2025-10-26. Review status: criteria provided, single submitter. Criteria: Invitae Variant Classification Sherloc (09022015). Collection method: clinical testing. Allele origin: germline.
Comment: This sequence change replaces valine, which is neutral and non-polar, with isoleucine, which is neutral and non-polar, at codon 292 of the RECQL4 protein (p.Val292Ile). This variant is not present in population databases (gnomAD no frequency). This variant has not been reported in the literature in individuals affected with RECQL4-related conditions. ClinVar contains an entry for this variant (Variation ID: 1487990). Invitae Evidence Modeling of protein sequence and biophysical properties (such as structural, functional, and spatial information, amino acid conservation, physicochemical variation, residue mobility, and thermodynamic stability) indicates that this missense variant is not expected to disrupt RECQL4 protein function with a negative predictive value of 80%. In summary, the available evidence is currently insufficient to determine the role of this variant in disease. Therefore, it has been classified as a Variant of Uncertain Significance.

Ambry Genetics
Classification: Uncertain significance for Inborn genetic diseases. Last evaluated: 2024-11-18. Review status: criteria provided, single submitter. Criteria: Ambry Variant Classification Scheme 2023. Collection method: clinical testing. Allele origin: germline.
Comment: The p.V292I variant (also known as c.874G>A), located in coding exon 5 of the RECQL4 gene, results from a G to A substitution at nucleotide position 874. The valine at codon 292 is replaced by isoleucine, an amino acid with highly similar properties. This amino acid position is conserved. In addition, this alteration is predicted to be tolerated by in silico analysis. Based on the available evidence, the clinical significance of this variant remains unclear.